The following is an entry in ClinVar:

NM_014283.5(SUCO):c.3530A>G (p.Tyr1177Cys)

Gene: SUCO (SUN domain containing ossification factor; plus strand). Cytogenetic location: 1q24.3.
Variant type: single nucleotide variant.
Coding change: c.3530A>G on transcript NM_014283.5 (MANE Select); coding-DNA position 3530, A replaced by G.
Protein change: p.Tyr1177Cys; replaces tyrosine 1177 with cysteine.
Molecular consequence: missense variant.
Genome position (GRCh38, 1-based): chr1:172,610,024, A>G. VCF-style: chr1-172610024-A-G. GRCh37 (hg19) VCF-style: chr1-172579164-A-G.
Other names: c.2417A>G, p.Tyr806Cys (NM_001282750.2); c.1841A>G, p.Tyr614Cys (NM_001282751.2); c.3983A>G, p.Tyr1328Cys (NM_016227.4); short protein forms Y806C, Y1177C, Y1328C, Y614C.
Identifiers: ClinVar variation 3016135 (VCV003016135.3), dbSNP rs2527517097, ClinGen allele CA343753158.

ClinVar aggregate classification (germline): Uncertain significance (1 of 4 stars; one submission).

Allele frequency attached by ClinVar (database versions not stated): gnomAD exomes below 0.00001.
gnomAD v4.1: 5 of 1,613,966 alleles (0.00031%); highest among the groups gnomAD compares: Non-Finnish European, 0.00042%; no homozygotes.

Submission:

Labcorp Genetics (formerly Invitae), Labcorp
Classification: Uncertain significance. Last evaluated: 2023-04-07. Review status: criteria provided, single submitter. Criteria: Invitae Variant Classification Sherloc (09022015). Collection method: clinical testing. Allele origin: germline.
Comment: This variant has not been reported in the literature in individuals affected with SUCO-related conditions. This variant is not present in population databases (gnomAD no frequency). This sequence change replaces tyrosine, which is neutral and polar, with cysteine, which is neutral and slightly polar, at codon 1177 of the SUCO protein (p.Tyr1177Cys). In summary, the available evidence is currently insufficient to determine the role of this variant in disease. Therefore, it has been classified as a Variant of Uncertain Significance. An algorithm developed to predict the effect of missense changes on protein structure and function (PolyPhen-2) suggests that this variant is likely to be disruptive.